The following is an entry in ClinVar:

NM_004937.3(CTNS):c.140+6T>C

Gene: CTNS (cystinosin, lysosomal cystine transporter; plus strand). Cytogenetic location: 17p13.2.
Variant type: single nucleotide variant.
Coding change: c.140+6T>C on transcript NM_004937.3 (MANE Select); 6 bases into the intron after coding-DNA position 140, T replaced by C.
Molecular consequence: intron variant.
Genome position (GRCh38, 1-based): chr17:3,647,528, T>C. VCF-style: chr17-3647528-T-C. GRCh37 (hg19) VCF-style: chr17-3550822-T-C.
Other names: c.140+6T>C (NM_004937.2, NM_001031681.3, NM_001374492.1); c.-217+6T>C (NM_001374493.1, NM_001374496.1); c.-217+7261T>C (NM_001374495.1); c.-302+6T>C (NM_001374494.1).
Identifiers: ClinVar variation 2155948 (VCV002155948.3), dbSNP rs533430300, ClinGen allele CA8291568.

ClinVar aggregate classification (germline): Uncertain significance. Review status: criteria provided, multiple submitters, no conflicts (2 of 4 stars). 3 submissions from 3 submitters: Uncertain significance (3). Last evaluated 2024-05-13.

Conditions:
Inborn genetic diseases. Identifiers: MedGen C0950123, MeSH D030342.
Ocular cystinosis. Also called: Non-Nephropathic Cystinosis; Non-Nephropathic (Ocular) Cystinosis. Identifiers: Orphanet 213, Orphanet 411641, MedGen C2931013, MONDO:0009064, OMIM 219750.
Juvenile nephropathic cystinosis. Also called: Intermediate Cystinosis; CYSTINOSIS, LATE-ONSET JUVENILE OR ADOLESCENT NEPHROPATHIC TYPE; Later-Onset (Juvenile) Cystinosis. Identifiers: Orphanet 213, Orphanet 411634, MedGen C0268626, MONDO:0009066, OMIM 219900.

Allele frequency attached by ClinVar (database versions not stated): gnomAD 0.00002; gnomAD exomes 0.00002; TOPMed 0.00004; ExAC 0.00007; 1000 Genomes Project 30x 0.00016; 1000 Genomes Project 0.00020.
gnomAD v4.1: 35 of 1,613,804 alleles (0.0022%); highest among the groups gnomAD compares: East Asian, 0.067%; no homozygotes.

Submissions (3):

Ambry Genetics
Classification: Uncertain significance for Inborn genetic diseases. Last evaluated: 2024-05-13. Review status: criteria provided, single submitter. Criteria: Ambry Variant Classification Scheme 2023. Collection method: clinical testing. Allele origin: germline.
Comment: The c.140+6T>C intronic alteration consists of a T to C substitution nucleotides after coding exon 2 in the CTNS gene. Based on insufficient or conflicting evidence, the clinical significance of this alteration remains unclear.

Women's Health and Genetics/Laboratory Corporation of America, LabCorp
Classification: Uncertain significance. Last evaluated: 2023-12-07. Review status: criteria provided, single submitter. Criteria: LabCorp Variant Classification Summary - May 2015. Collection method: clinical testing. Allele origin: germline.

Labcorp Genetics (formerly Invitae), Labcorp
Classification: Uncertain significance for Inborn genetic diseases; Ocular cystinosis; Juvenile nephropathic cystinosis. Last evaluated: 2022-08-23. Review status: criteria provided, single submitter. Criteria: Invitae Variant Classification Sherloc (09022015). Collection method: clinical testing. Allele origin: germline.
Comment: This sequence change falls in intron 4 of the CTNS gene. It does not directly change the encoded amino acid sequence of the CTNS protein. It affects a nucleotide within the consensus splice site. This variant is present in population databases (rs533430300, gnomAD 0.1%). This variant has not been reported in the literature in individuals affected with CTNS-related conditions. Variants that disrupt the consensus splice site are a relatively common cause of aberrant splicing (PMID: 17576681, 9536098). Algorithms developed to predict the effect of sequence changes on RNA splicing suggest that this variant is not likely to affect RNA splicing. In summary, the available evidence is currently insufficient to determine the role of this variant in disease. Therefore, it has been classified as a Variant of Uncertain Significance.

Literature cited by the submitters: PubMed 17576681 (cited by Labcorp Genetics (formerly Invitae), Labcorp); PubMed 9536098 (cited by Labcorp Genetics (formerly Invitae), Labcorp).